The following is an entry in ClinVar:

ClinVar aggregate classification (germline): Uncertain significance (1 of 4 stars; one submission).

Allele frequency attached by ClinVar (database versions not stated): gnomAD exomes 0.00001.
gnomAD v4.1: 2 of 1,519,658 alleles (0.00013%); no homozygotes.

Submission:

Labcorp Genetics (formerly Invitae), Labcorp
Classification: Uncertain significance. Last evaluated: 2022-03-06. Review status: criteria provided, single submitter. Criteria: Invitae Variant Classification Sherloc (09022015). Collection method: clinical testing. Allele origin: germline.
Comment: This variant has not been reported in the literature in individuals affected with P3H2-related conditions. ClinVar contains an entry for this variant (Variation ID: 955446). Algorithms developed to predict the effect of missense changes on protein structure and function output the following: SIFT: "Tolerated"; PolyPhen-2: "Benign"; Align-GVGD: "Class C0". The leucine amino acid residue is found in multiple mammalian species, which suggests that this missense change does not adversely affect protein function. In summary, the available evidence is currently insufficient to determine the role of this variant in disease. Therefore, it has been classified as a Variant of Uncertain Significance. The frequency data for this variant in the population databases is considered unreliable, as metrics indicate poor data quality at this position in the gnomAD database. This sequence change replaces proline, which is neutral and non-polar, with leucine, which is neutral and non-polar, at codon 9 of the P3H2 protein (p.Pro9Leu).

NM_018192.4(P3H2):c.26C>T (p.Pro9Leu)

Genes: P3H2 (prolyl 3-hydroxylase 2; minus strand), LOC123464484 (Sharpr-MPRA regulatory region 10063; plus strand). Cytogenetic location: 3q28.
Variant type: single nucleotide variant.
Coding change: c.26C>T on transcript NM_018192.4 (MANE Select); coding-DNA position 26, C replaced by T.
Protein change: p.Pro9Leu; replaces proline 9 with leucine.
Molecular consequence: missense variant. On other transcripts: intron variant (1).
Genome position (GRCh38, 1-based): chr3:190,120,706, G>A on the plus strand (C>T on the coding strand, the complement: P3H2 is on the minus strand). VCF-style: chr3-190120706-G-A. GRCh37 (hg19) VCF-style: chr3-189838495-G-A.
Other names: c.-64+1497C>T (NM_001134418.2); short protein forms P9L.
Identifiers: ClinVar variation 955446 (VCV000955446.7), dbSNP rs1310957916, ClinGen allele CA355860307.